The following is an entry in ClinVar:

NM_001283009.2(RTEL1):c.3131A>G (p.Gln1044Arg)

Genes: RTEL1 (regulator of telomere elongation helicase 1; plus strand), RTEL1-TNFRSF6B (RTEL1-TNFRSF6B readthrough (NMD candidate); plus strand). Cytogenetic location: 20q13.33.
Variant type: single nucleotide variant.
Coding change: c.3131A>G on transcript NM_001283009.2 (MANE Select); coding-DNA position 3131, A replaced by G.
Protein change: p.Gln1044Arg; replaces glutamine 1044 with arginine.
Molecular consequence: missense variant. On other transcripts: non-coding transcript variant (1).
Genome position (GRCh38, 1-based): chr20:63,694,762, A>G. VCF-style: chr20-63694762-A-G. GRCh37 (hg19) VCF-style: chr20-62326115-A-G.
Other names: c.2462A>G, p.Gln821Arg (NM_001283010.1); c.3131A>G, p.Gln1044Arg (NM_016434.4); c.3203A>G, p.Gln1068Arg (NM_032957.5); short protein forms Q821R, Q1044R, Q1068R.
Identifiers: ClinVar variation 1472004 (VCV001472004.7), dbSNP rs1350870028, ClinGen allele CA409684810.

ClinVar aggregate classification (germline): Uncertain significance. Review status: criteria provided, multiple submitters, no conflicts (2 of 4 stars). 2 submissions from 2 submitters: Uncertain significance (2). Last evaluated 2025-12-07.

Conditions:
Inborn genetic diseases. Identifiers: MedGen C0950123, MeSH D030342.
Pulmonary fibrosis and/or bone marrow failure, Telomere-related, 3. Also called: PULMONARY FIBROSIS AND/OR BONE MARROW FAILURE SYNDROME, TELOMERE-RELATED, 3. Identifiers: Orphanet 2032, MedGen C4225346, MONDO:0014613, OMIM 616373.
Dyskeratosis congenita, autosomal recessive 5 (DKCB5). Identifiers: MedGen C3554656, MONDO:0014076, OMIM 615190.

Submissions (2):

Ambry Genetics
Classification: Uncertain significance for Inborn genetic diseases. Last evaluated: 2025-12-07. Review status: criteria provided, single submitter. Criteria: Ambry Variant Classification Scheme 2023. Collection method: clinical testing. Allele origin: germline.
Comment: The p.Q1044R variant (also known as c.3131A>G), located in coding exon 31 of the RTEL1 gene, results from an A to G substitution at nucleotide position 3131. The glutamine at codon 1044 is replaced by arginine, an amino acid with highly similar properties. This amino acid position is conserved. In addition, this alteration is predicted to be tolerated by in silico analysis. Based on the available evidence, the clinical significance of this variant remains unclear.

Labcorp Genetics (formerly Invitae), Labcorp
Classification: Uncertain significance for Dyskeratosis congenita, autosomal recessive 5; Pulmonary fibrosis and/or bone marrow failure, Telomere-related, 3. Last evaluated: 2021-09-02. Review status: criteria provided, single submitter. Criteria: Invitae Variant Classification Sherloc (09022015). Collection method: clinical testing. Allele origin: germline.
Comment: This sequence change replaces glutamine with arginine at codon 1044 of the RTEL1 protein (p.Gln1044Arg). The glutamine residue is weakly conserved and there is a small physicochemical difference between glutamine and arginine. This variant is not present in population databases (ExAC no frequency). This variant has not been reported in the literature in individuals affected with RTEL1-related conditions. Algorithms developed to predict the effect of missense changes on protein structure and function (SIFT, PolyPhen-2, Align-GVGD) all suggest that this variant is likely to be tolerated. In summary, the available evidence is currently insufficient to determine the role of this variant in disease. Therefore, it has been classified as a Variant of Uncertain Significance.